The following is an entry in ClinVar:

NM_003690.5(PRKRA):c.616G>A (p.Val206Ile)

Genes: CHROMR (cholesterol induced regulator of metabolism RNA; plus strand), PRKRA (protein activator of interferon induced protein kinase EIF2AK2; minus strand). Cytogenetic location: 2q31.2.
Variant type: single nucleotide variant.
Coding change: c.616G>A on transcript NM_003690.5 (MANE Select); coding-DNA position 616, G replaced by A.
Protein change: p.Val206Ile; replaces valine 206 with isoleucine.
Molecular consequence: missense variant.
Genome position (GRCh38, 1-based): chr2:178,436,313, C>T on the plus strand (G>A on the coding strand, the complement: PRKRA is on the minus strand). VCF-style: chr2-178436313-C-T. GRCh37 (hg19) VCF-style: chr2-179301040-C-T.
Other names: c.583G>A, p.Val195Ile (NM_001139517.2); c.541G>A, p.Val181Ile (NM_001139518.2); c.277G>A, p.Val93Ile (NM_001316362.2); short protein forms V181I, V206I, V93I, V195I.
Identifiers: ClinVar variation 1990743 (VCV001990743.2), dbSNP rs760615566, ClinGen allele CA1983805.

ClinVar aggregate classification (germline): Uncertain significance. Review status: criteria provided, multiple submitters, no conflicts (2 of 4 stars). 2 submissions from 2 submitters: Uncertain significance (2). Last evaluated 2025-01-24.

Conditions:
Dystonia 16 (DYT16). Also called: DYT-PRKRA. Identifiers: Orphanet 210571, MedGen C2677567, MONDO:0012789, OMIM 612067.

Allele frequency attached by ClinVar (database versions not stated): gnomAD 0.00001; ExAC 0.00002.

Submissions (2):

Laboratorio de Genetica e Diagnostico Molecular, Hospital Israelita Albert Einstein
Classification: Uncertain significance for Dystonia 16. Last evaluated: 2025-01-24. Review status: criteria provided, single submitter. Criteria: ACMG Guidelines, 2015. Collection method: clinical testing. Allele origin: germline. Affected: yes.
Comment: ACMG classification criteria: PM2 supporting, PM3 moderate, BP4 supporting

Labcorp Genetics (formerly Invitae), Labcorp
Classification: Uncertain significance for Dystonia 16. Last evaluated: 2021-09-01. Review status: criteria provided, single submitter. Criteria: Invitae Variant Classification Sherloc (09022015). Collection method: clinical testing. Allele origin: germline.
Comment: This sequence change replaces valine with isoleucine at codon 206 of the PRKRA protein (p.Val206Ile). The valine residue is weakly conserved and there is a small physicochemical difference between valine and isoleucine. The frequency data for this variant in the population databases is considered unreliable, as metrics indicate poor data quality at this position in the ExAC database. This variant has not been reported in the literature in individuals affected with PRKRA-related conditions. Algorithms developed to predict the effect of missense changes on protein structure and function (SIFT, PolyPhen-2, Align-GVGD) all suggest that this variant is likely to be tolerated. In summary, the available evidence is currently insufficient to determine the role of this variant in disease. Therefore, it has been classified as a Variant of Uncertain Significance.